The following is an entry in ClinVar:

ClinVar aggregate classification (germline): Uncertain significance (1 of 4 stars; one submission).

Conditions:
Familial thoracic aortic aneurysm and aortic dissection (TAAD). Also called: Thoracic aortic aneurysms and dissections. Identifiers: Orphanet 91387, MedGen C4707243, MONDO:0019625.

Allele frequency attached by ClinVar (database versions not stated): TOPMed below 0.00001; gnomAD 0.00001.

Submission:

Color Diagnostics, LLC DBA Color Health
Classification: Uncertain significance for Familial thoracic aortic aneurysm and aortic dissection. Last evaluated: 2019-06-19. Review status: criteria provided, single submitter. Criteria: ACMG Guidelines, 2015. Collection method: clinical testing. Allele origin: germline.
Comment: This variant deletes 1 nucleotide in exon 7 of the ACTA2 gene, creating a frameshift and premature translation stop signal. This variant is expected to result in an absent or non-functional protein product. Computational splicing tools suggest that this variant may not impact RNA splicing. To our knowledge, functional assays have not been performed for this variant nor has this variant been reported in individuals affected with cardiovascular disorders in the literature. This variant has not been identified in the general population by the Genome Aggregation Database (gnomAD). Clinical significance of loss-of-function truncation variants in the MYH7 gene is not clearly established. Available evidence is insufficient to determine the role of this variant in disease conclusively. Therefore, this variant is classified as a Variant of Uncertain Significance.

NM_001613.4(ACTA2):c.775del (p.Cys259fs)

Genes: ACTA2-AS1 (ACTA2 antisense RNA 1; plus strand), ACTA2 (actin alpha 2, smooth muscle; minus strand). Cytogenetic location: 10q23.31.
Variant type: Deletion.
Coding change: c.775del on transcript NM_001613.4 (MANE Select); coding-DNA position 775, one base deleted (T; older notation c.775delT).
Protein change: p.Cys259fs; shifts the reading frame from cysteine 259.
Molecular consequence: frameshift variant. On other transcripts: non-coding transcript variant (1).
Genome position (GRCh38, 1-based): chr10:88,939,540, A deleted on the plus strand (T on the coding strand, the reverse complement: ACTA2 is on the minus strand). VCF-style (leftmost placement, unchanged base first): chr10-88939539-CA-C. GRCh37 (hg19) VCF-style: chr10-90699296-CA-C.
Other names: c.775delT, p.Cys259Alafs (NM_001141945.3, NM_001320855.2, NM_001406462.1 and 2 more transcripts); c.664delT, p.Cys222Alafs (NM_001406466.1); c.646delT, p.Cys216Alafs (NM_001406467.1, NM_001406468.1, NM_001406469.1); short protein forms C259fs.
Identifiers: ClinVar variation 926282 (VCV000926282.5), dbSNP rs1178695989, ClinGen allele CA669663069.